The following is an entry in ClinVar:

NM_014049.5(ACAD9):c.1504GAG[1] (p.Glu503del)

Gene: ACAD9 (acyl-CoA dehydrogenase family member 9; plus strand). Cytogenetic location: 3q21.3.
Variant type: Microsatellite.
Coding change: c.1504GAG[1] on transcript NM_014049.5 (MANE Select); one copy of the 3-base unit GAG starting at c.1504; the reference has two copies in a row; one copy, 3 bases deleted.
Protein change: p.Glu503del; deletes glutamic acid 503.
Molecular consequence: inframe deletion. On other transcripts: non-coding transcript variant (1).
Genome position (GRCh38, 1-based): chr3:128,909,365-128,909,367, GAG deleted; deleting any 3 consecutive bases within chr3:128,909,362-128,909,367 gives the same sequence; the position shown is the placement nearest the transcript's 3' end. VCF-style (leftmost placement, unchanged base first): chr3-128909361-TGAG-T. GRCh37 (hg19) VCF-style: chr3-128628204-TGAG-T.
Other names: c.1507_1509delGAG (NM_014049.4); short protein forms E503del.
Identifiers: ClinVar variation 1312651 (VCV001312651.4), dbSNP rs765384159, ClinGen allele CA2601574.

ClinVar aggregate classification (germline): Uncertain significance. Review status: criteria provided, multiple submitters, no conflicts (2 of 4 stars). 3 submissions from 3 submitters: Uncertain significance (2). 1 of the submissions does not count toward it. Last evaluated 2023-06-29.

Conditions:
ACAD9-related disorder. Also called: ACAD9-related condition.

Submissions (3):

Women's Health and Genetics/Laboratory Corporation of America, LabCorp
Classification: Uncertain significance. Last evaluated: 2023-06-29. Review status: criteria provided, single submitter. Criteria: LabCorp Variant Classification Summary - May 2015. Collection method: clinical testing. Allele origin: germline.
Comment: Variant summary: ACAD9 c.1507_1509delGAG (p.Glu503del) results in an in-frame deletion that is predicted to remove one amino acid from the encoded protein. The variant allele was found at a frequency of 4e-06 in 251478 control chromosomes (gnomAD). The available data on variant occurrences in the general population are insufficient to allow any conclusion about variant significance. To our knowledge, no occurrence of c.1507_1509delGAG in individuals affected with Mitochondrial Complex I Deficiency, Nuclear Type 20 and no experimental evidence demonstrating its impact on protein function have been reported. One submitter has cited clinical-significance assessments for this variant to ClinVar after 2014 and has classified the variant as uncertain significance. Based on the evidence outlined above, the variant was classified as uncertain significance.

GeneDx
Classification: Uncertain significance. Last evaluated: 2020-01-17. Review status: criteria provided, single submitter. Criteria: GeneDx Variant Classification Process June 2021. Collection method: clinical testing. Allele origin: germline. Affected: yes.
Comment: Not observed at a significant frequency in large population cohorts (Lek et al., 2016); In-frame deletion of 1 amino acid in a non-repeat region; In silico analysis, which includes protein predictors and evolutionary conservation, supports a deleterious effect; Has not been previously published as pathogenic or benign to our knowledge

PreventionGenetics, part of Exact Sciences
Classification: Uncertain significance for ACAD9-related condition. Last evaluated: 2024-09-25. Review status: no assertion criteria provided. Collection method: clinical testing. Allele origin: germline. Not counted in ClinVar's aggregate classification.
Comment: The ACAD9 c.1507_1509delGAG variant is predicted to result in an in-frame deletion (p.Glu503del). To our knowledge, this variant has not been reported in the literature. This variant is reported in 0.0% of alleles in individuals of African descent in gnomAD. At this time, the clinical significance of this variant is uncertain due to the absence of conclusive functional and genetic evidence.